The following is an entry in ClinVar:

ClinVar aggregate classification (germline): Pathogenic/Likely pathogenic. Review status: criteria provided, multiple submitters, no conflicts (2 of 4 stars). 5 submissions from 5 submitters: Pathogenic (3); Likely pathogenic (1). 1 of the submissions does not count toward it. Last evaluated 2024-02-15.

Conditions:
Early-infantile DEE. Also called: Ohtahara syndrome; Early infantile epileptic encephalopathy with suppression bursts; Early infantile epileptic encephalopathy. Identifiers: Orphanet 1934, MedGen C0393706, MONDO:0800491.
Severe myoclonic epilepsy in infancy (DRVT). Also called: DEVELOPMENTAL AND EPILEPTIC ENCEPHALOPATHY 6A; Severe Myoclonic Epilepsy in Infancy (SMEI); Epileptic encephalopathy, early infantile, 6 (Dravet syndrome); SEVERE MYOCLONIC EPILEPSY OF INFANCY; Dravet syndrome. Identifiers: Orphanet 33069, MedGen C0751122, MONDO:0100135, OMIM 607208.

Submissions (5):

Labcorp Genetics (formerly Invitae), Labcorp
Classification: Pathogenic for Early-infantile DEE. Last evaluated: 2024-02-15. Review status: criteria provided, single submitter. Criteria: Invitae Variant Classification Sherloc (09022015). Collection method: clinical testing. Allele origin: germline.
Comment: This sequence change replaces threonine, which is neutral and polar, with isoleucine, which is neutral and non-polar, at codon 1909 of the SCN1A protein (p.Thr1909Ile). This variant is not present in population databases (gnomAD no frequency). This missense change has been observed in individual(s) with early infantile epileptic encephalopathy and Dravet syndrome (PMID: 12083760, 15277629, 18076640, 28708303). In at least one individual the variant was observed to be de novo. This variant is also known as c.5696C>T (p.Thr1899Ile). ClinVar contains an entry for this variant (Variation ID: 68669). Advanced modeling of protein sequence and biophysical properties (such as structural, functional, and spatial information, amino acid conservation, physicochemical variation, residue mobility, and thermodynamic stability) performed at Invitae indicates that this missense variant is expected to disrupt SCN1A protein function with a positive predictive value of 95%. Experimental studies have shown that this missense change affects SCN1A function (PMID: 17054685). This variant disrupts the p.Thr1909 amino acid residue in SCN1A. Other variant(s) that disrupt this residue have been determined to be pathogenic (PMID: 21248271, 28102150). This suggests that this residue is clinically significant, and that variants that disrupt this residue are likely to be disease-causing. For these reasons, this variant has been classified as Pathogenic.

CeGaT Center for Human Genetics Tuebingen
Classification: Pathogenic. Last evaluated: 2018-05-01. Review status: criteria provided, single submitter. Criteria: CeGaT Center For Human Genetics Tuebingen Variant Classification Criteria Version 2. Collection method: clinical testing. Allele origin: germline. Affected: yes. Observed: 1 variant allele.

GeneDx
Classification: Likely pathogenic. Last evaluated: 2017-05-01. Review status: criteria provided, single submitter. Criteria: GeneDx Variant Classification (06012015). Collection method: clinical testing. Allele origin: germline. Affected: yes.
Comment: A variant that is likely pathogenic has been identified in the SCN1A gene. The T1909I variant has been previously reported as T1899I (using alternative nomenclature) in an individual with severe myoclonic epilepsy of infancy; parental testing was not reported (Ohmori et al., 2002). Functional studies have demonstrated that T1909I results in a abnormal channel function (Ohmori et al., 2006). The T1909I variant is not observed in large population cohorts (Lek et al., 2016; 1000 Genomes Consortium et al., 2015; Exome Variant Server). The T1909I variant is a non-conservative amino acid substitution, which is likely to impact secondary protein structure as these residues differ in polarity, charge, size and/or other properties. This substitution alters a conserved position predicted to be within the C-terminal cytoplasmic domain. Therefore, this variant is likely pathogenic; however, the possibility that it is benign cannot be excluded.

Groupe Hospitalier Pitie Salpetriere, Uf Genomique Du Developpement, Assistance Publique Hopitaux de Paris Sorbonne Université
Classification: Pathogenic for Epileptic encephalopathy, early infantile, 6 (Dravet syndrome). Last evaluated: 2017-01-06. Review status: criteria provided, single submitter. Criteria: ACMG Guidelines, 2015. Collection method: clinical testing. Allele origin: de novo. Affected: yes. Observed: 1 variant allele.
Comment: Intellectual disability; severe and pharmacoresistant epilepsy (starting with febrile convulsions); pyramidal syndrome; tremor and myoclonus; dysmorphism; scoliosis

UniProtKB/Swiss-Prot
No classification provided. Condition: Severe myoclonic epilepsy in infancy. Review status: no classification provided. Collection method: not provided. Allele origin: not provided. Not counted in ClinVar's aggregate classification.

Literature cited by the submitters: PubMed 12083760 (cited by Labcorp Genetics (formerly Invitae), Labcorp); PubMed 15277629 (cited by Labcorp Genetics (formerly Invitae), Labcorp); PubMed 18076640 (cited by Labcorp Genetics (formerly Invitae), Labcorp); PubMed 28708303 (cited by Labcorp Genetics (formerly Invitae), Labcorp and Groupe Hospitalier Pitie Salpetriere, Uf Genomique Du Developpement, Assistance Publique Hopitaux de Paris Sorbonne Université); PubMed 17054685 (cited by Labcorp Genetics (formerly Invitae), Labcorp); PubMed 21248271 (cited by Labcorp Genetics (formerly Invitae), Labcorp); PubMed 28102150 (cited by Labcorp Genetics (formerly Invitae), Labcorp).

NM_001165963.4(SCN1A):c.5726C>T (p.Thr1909Ile)

Genes: SCN1A (sodium voltage-gated channel alpha subunit 1; minus strand), LOC102724058 (uncharacterized LOC102724058; plus strand). Cytogenetic location: 2q24.3.
Variant type: single nucleotide variant.
Coding change: c.5726C>T on transcript NM_001165963.4 (MANE Select); coding-DNA position 5726, C replaced by T.
Protein change: p.Thr1909Ile; replaces threonine 1909 with isoleucine.
Molecular consequence: missense variant. On other transcripts: non-coding transcript variant (1).
Genome position (GRCh38, 1-based): chr2:165,991,549, G>A on the plus strand (C>T on the coding strand, the complement: SCN1A is on the minus strand). VCF-style: chr2-165991549-G-A. GRCh37 (hg19) VCF-style: chr2-166848059-G-A.
Other names: c.5642C>T, p.Thr1881Ile (NM_001165964.3, NM_001353957.2, NM_001353958.2); c.5726C>T, p.Thr1909Ile (NM_001202435.3, NM_001353948.2); c.5693C>T, p.Thr1898Ile (NM_001353949.2, NM_001353950.2, NM_001353951.2 and 2 more transcripts); c.5690C>T, p.Thr1897Ile (NM_001353954.2, NM_001353955.2); c.5639C>T, p.Thr1880Ile (NM_001353960.2); c.3284C>T, p.Thr1095Ile (NM_001353961.2); short protein forms T1898I, T1909I, T1897I, T1095I, T1880I, T1881I.
Identifiers: ClinVar variation 68669 (VCV000068669.51), dbSNP rs121918793, ClinGen allele CA285249.